The following is an entry in ClinVar:

NM_001165963.4(SCN1A):c.238dup (p.Leu80fs)

Gene: SCN1A (sodium voltage-gated channel alpha subunit 1; minus strand). Cytogenetic location: 2q24.3.
Variant type: Duplication.
Coding change: c.238dup on transcript NM_001165963.4 (MANE Select); coding-DNA position 238, one base duplicated (C; older notation c.238dupC).
Protein change: p.Leu80fs; shifts the reading frame from leucine 80.
Molecular consequence: frameshift variant. On other transcripts: 5 prime UTR variant (1), non-coding transcript variant (1).
Genome position (GRCh38, 1-based): chr2:166,073,384, G duplicated on the plus strand (C on the coding strand, the reverse complement: SCN1A is on the minus strand); the first of 2 consecutive G bases (chr2:166,073,384-166,073,385); duplicating either gives the same sequence. VCF-style (leftmost placement, unchanged base first): chr2-166073383-A-AG. GRCh37 (hg19) VCF-style: chr2-166929893-A-AG.
Other names: c.238dup, p.Leu80fs (NM_001165964.3, NM_001202435.3, NM_001353948.2 and 10 more transcripts); c.-2188dup (NM_001353961.2); short protein forms L80fs.
Identifiers: ClinVar variation 850219 (VCV000850219.11), dbSNP rs1684663586, ClinGen allele CA916082251.

ClinVar aggregate classification (germline): Pathogenic (1 of 4 stars; one submission).

Conditions:
Migraine, familial hemiplegic, 3. Identifiers: Orphanet 569, MedGen C1864987, MONDO:0012320, OMIM 609634.
Generalized epilepsy with febrile seizures plus, type 2 (GEFSP2). Also called: GEFS+, TYPE 2. Identifiers: Orphanet 36387, MedGen C1858673, MONDO:0011461, OMIM 604403.
Severe myoclonic epilepsy in infancy (DRVT). Also called: DEVELOPMENTAL AND EPILEPTIC ENCEPHALOPATHY 6A; Severe Myoclonic Epilepsy in Infancy (SMEI); SEVERE MYOCLONIC EPILEPSY OF INFANCY; Dravet syndrome; Epileptic encephalopathy, early infantile, 6 (Dravet syndrome). Identifiers: Orphanet 33069, MedGen C0751122, MONDO:0100135, OMIM 607208.
Febrile seizures, familial, 1. Also called: FEB1. Identifiers: MedGen C1852577, MONDO:0007367, OMIM 121210.
Early-infantile DEE. Also called: Early infantile epileptic encephalopathy with suppression bursts; Early infantile epileptic encephalopathy; Ohtahara syndrome. Identifiers: Orphanet 1934, MedGen C0393706, MONDO:0800491.

Submission:

Labcorp Genetics (formerly Invitae), Labcorp
Classification: Pathogenic for Early-infantile DEE. Last evaluated: 2019-12-27. Review status: criteria provided, single submitter. Criteria: Invitae Variant Classification Sherloc (09022015). Collection method: clinical testing. Allele origin: germline.
Comment: For these reasons, this variant has been classified as Pathogenic. Loss-of-function variants in SCN1A are known to be pathogenic (PMID: 17347258, 18930999). This variant has not been reported in the literature in individuals with SCN1A-related conditions. This variant is not present in population databases (ExAC no frequency). This sequence change creates a premature translational stop signal (p.Leu80Profs*8) in the SCN1A gene. It is expected to result in an absent or disrupted protein product.

Literature cited by the submitters: PubMed 17347258 (cited by Labcorp Genetics (formerly Invitae), Labcorp); PubMed 18930999 (cited by Labcorp Genetics (formerly Invitae), Labcorp).